The following is an entry in ClinVar:

NM_002485.5(NBN):c.1186C>A (p.Leu396Ile)

Gene: NBN (nibrin; minus strand). Cytogenetic location: 8q21.3.
Variant type: single nucleotide variant.
Coding change: c.1186C>A on transcript NM_002485.5 (MANE Select); coding-DNA position 1186, C replaced by A.
Protein change: p.Leu396Ile; replaces leucine 396 with isoleucine.
Molecular consequence: missense variant.
Genome position (GRCh38, 1-based): chr8:89,955,494, G>T on the plus strand (C>A on the coding strand, the complement: NBN is on the minus strand). VCF-style: chr8-89955494-G-T. GRCh37 (hg19) VCF-style: chr8-90967722-G-T.
Other names: c.940C>A, p.Leu314Ile (NM_001024688.3); short protein forms L396I, L314I.
Identifiers: ClinVar variation 1743472 (VCV001743472.2), dbSNP rs2129721373, ClinGen allele CA371656400.

ClinVar aggregate classification (germline): Uncertain significance (1 of 4 stars; one submission).

Conditions:
Hereditary cancer-predisposing syndrome. Also called: Hereditary Cancer Syndrome; Neoplastic Syndromes, Hereditary; Tumor predisposition; Hereditary neoplastic syndrome. Identifiers: Orphanet 140162, MedGen C0027672, MeSH D009386, MONDO:0015356.

Submission:

Ambry Genetics
Classification: Uncertain significance for Hereditary cancer-predisposing syndrome. Last evaluated: 2020-06-10. Review status: criteria provided, single submitter. Criteria: Ambry Variant Classification Scheme 2023. Collection method: clinical testing. Allele origin: germline.
Comment: The p.L396I variant (also known as c.1186C>A), located in coding exon 10 of the NBN gene, results from a C to A substitution at nucleotide position 1186. The leucine at codon 396 is replaced by isoleucine, an amino acid with highly similar properties. This amino acid position is not well conserved in available vertebrate species. In addition, this alteration is predicted to be tolerated by in silico analysis. Since supporting evidence is limited at this time, the clinical significance of this alteration remains unclear.